The following is an entry in ClinVar:

NM_020778.5(ALPK3):c.2926A>G (p.Ser976Gly)

Gene: ALPK3 (alpha kinase 3; plus strand). Cytogenetic location: 15q25.3.
Variant type: single nucleotide variant.
Coding change: c.2926A>G on transcript NM_020778.5 (MANE Select); coding-DNA position 2926, A replaced by G.
Protein change: p.Ser976Gly; replaces serine 976 with glycine.
Molecular consequence: missense variant.
Genome position (GRCh38, 1-based): chr15:84,857,664, A>G. VCF-style: chr15-84857664-A-G. GRCh37 (hg19) VCF-style: chr15-85400895-A-G.
Other names: short protein forms S976G.
Identifiers: ClinVar variation 1520118 (VCV001520118.10), dbSNP rs1874204001, ClinGen allele CA393359260.
Genomic context (GRCh38, chr15:84,857,664, plus strand): 5'-CTCATAGATTCCCTGAAGAACTACCTGCTTCTGCTGCTGAAGCTGTCCAGCACAGAGACA[A>G]GTGGAGCAGGGGGAGAGTCCCAGGTGGGGGCAGCCACCGGAGGTCTGGTGCCCTCAGCCA-3'
Protein context (NP_065829.4, residues 966-986): LLLKLSSTET[Ser976Gly]GAGGESQVGA

ClinVar aggregate classification (germline): Uncertain significance. Review status: criteria provided, multiple submitters, no conflicts (2 of 4 stars). 2 submissions from 2 submitters: Uncertain significance (2). Last evaluated 2022-10-03.

Conditions:
Cardiovascular phenotype. Identifiers: MedGen CN230736.

Allele frequency attached by ClinVar (database versions not stated): gnomAD 0.00001.
gnomAD v4.1: 1 of 1,604,502 alleles (0.000062%); highest among the groups gnomAD compares: African/African-American, 0.0013%; no homozygotes.

Submissions (2):

Ambry Genetics
Classification: Uncertain significance for Cardiovascular phenotype. Last evaluated: 2022-10-03. Review status: criteria provided, single submitter. Criteria: Ambry Variant Classification Scheme 2023. Collection method: clinical testing. Allele origin: germline.
Comment: The p.S1178G variant (also known as c.3532A>G), located in coding exon 6 of the ALPK3 gene, results from an A to G substitution at nucleotide position 3532. The serine at codon 1178 is replaced by glycine, an amino acid with similar properties. This amino acid position is conserved. In addition, this alteration is predicted to be tolerated by in silico analysis. Since supporting evidence is limited at this time, the clinical significance of this alteration remains unclear.

Labcorp Genetics (formerly Invitae), Labcorp
Classification: Uncertain significance. Last evaluated: 2021-03-26. Review status: criteria provided, single submitter. Criteria: Invitae Variant Classification Sherloc (09022015). Collection method: clinical testing. Allele origin: germline.
Comment: In summary, the available evidence is currently insufficient to determine the role of this variant in disease. Therefore, it has been classified as a Variant of Uncertain Significance. Algorithms developed to predict the effect of missense changes on protein structure and function output the following: SIFT: "Tolerated"; PolyPhen-2: "Benign"; Align-GVGD: "Class C0". The glycine amino acid residue is found in multiple mammalian species, suggesting that this missense change does not adversely affect protein function. These predictions have not been confirmed by published functional studies and their clinical significance is uncertain. This variant has not been reported in the literature in individuals with ALPK3-related conditions. This variant is not present in population databases (ExAC no frequency). This sequence change replaces serine with glycine at codon 1178 of the ALPK3 protein (p.Ser1178Gly). The serine residue is weakly conserved and there is a small physicochemical difference between serine and glycine.